The following is an entry in ClinVar:

NM_002336.3(LRP6):c.3888dup (p.Ser1297fs)

Gene: LRP6 (LDL receptor related protein 6; minus strand). Cytogenetic location: 12p13.2.
Variant type: Duplication.
Coding change: c.3888dup on transcript NM_002336.3 (MANE Select); coding-DNA position 3888, one base duplicated (C; older notation c.3888dupC).
Protein change: p.Ser1297fs; shifts the reading frame from serine 1297.
Molecular consequence: frameshift variant. On other transcripts: non-coding transcript variant (1), intron variant (1).
Genome position (GRCh38, 1-based): chr12:12,131,903, G duplicated on the plus strand (C on the coding strand, the reverse complement: LRP6 is on the minus strand); the first of 2 consecutive G bases (chr12:12,131,903-12,131,904); duplicating either gives the same sequence. VCF-style (leftmost placement, unchanged base first): chr12-12131902-T-TG. GRCh37 (hg19) VCF-style: chr12-12284836-T-TG.
Other names: c.3888dup, p.Ser1297fs (NM_001414249.1, NM_001414250.1, NM_001414245.1 and 1 more transcripts); c.3435dup, p.Ser1146fs (NM_001414252.1, NM_001414253.1, NM_001414254.1); c.3381dup, p.Ser1128fs (NM_001414255.1); c.3608-1010dup (NM_001414251.1); c.3981dup, p.Ser1328fs (NM_001414244.1); c.3753dup, p.Ser1252fs (NM_001414246.1); c.3690dup, p.Ser1231fs (NM_001414247.1); short protein forms S1128fs, S1146fs, S1231fs, S1252fs, S1297fs, S1328fs.
Identifiers: ClinVar variation 2498545 (VCV002498545.28), dbSNP rs2498639236, ClinGen allele CA2580085164.

ClinVar aggregate classification (germline): Pathogenic (1 of 4 stars; one submission).

Submission:

CeGaT Center for Human Genetics Tuebingen
Classification: Pathogenic. Last evaluated: 2022-07-01. Review status: criteria provided, single submitter. Criteria: CeGaT Center For Human Genetics Tuebingen Variant Classification Criteria Version 2. Collection method: clinical testing. Allele origin: germline. Affected: yes. Observed: 2 variant alleles.
Comment: LRP6: PVS1, PM2, PP1